The following is an entry in ClinVar:

ClinVar aggregate classification (germline): Uncertain significance. Review status: criteria provided, multiple submitters, no conflicts (2 of 4 stars). 4 submissions from 4 submitters: Uncertain significance (4). Last evaluated 2025-06-28.

Conditions:
Inborn genetic diseases. Identifiers: MedGen C0950123, MeSH D030342.
Wilms tumor 1 (WT1). Also called: Wilms tumor, somatic. Identifiers: Orphanet 654, MedGen CN033288, MONDO:0008679, OMIM 194070.
11p partial monosomy syndrome (WAGR). Also called: WAGR Spectrum Disorder; CHROMOSOME 11p13 DELETION SYNDROME; WAGR syndrome; WAGR Complex. Identifiers: Orphanet 893, MedGen C0206115, MONDO:0008681, OMIM 194072.
Drash syndrome (DDS). Also called: WILMS TUMOR AND PSEUDO- OR TRUE HERMAPHRODITISM; NEPHROPATHY, WILMS TUMOR, AND GENITAL ANOMALIES. Identifiers: Orphanet 220, MedGen C0950121, MONDO:0008682, OMIM 194080.
Frasier syndrome. Identifiers: Orphanet 347, MedGen C0950122, MeSH D052159, MONDO:0007635, OMIM 136680.

Allele frequency attached by ClinVar (database versions not stated): gnomAD exomes 0.00001.
gnomAD v4.1: 10 of 1,614,010 alleles (0.00062%); highest among the groups gnomAD compares: Non-Finnish European, 0.00085%; no homozygotes.

Submissions (4):

Ambry Genetics
Classification: Uncertain significance for Inborn genetic diseases. Last evaluated: 2025-06-28. Review status: criteria provided, single submitter. Criteria: Ambry Variant Classification Scheme 2023. Collection method: clinical testing. Allele origin: germline.
Comment: The p.Q422P variant (also known as c.1265A>C), located in coding exon 8 of the WT1 gene, results from an A to C substitution at nucleotide position 1265. The glutamine at codon 422 is replaced by proline, an amino acid with similar properties. This amino acid position is conserved. In addition, the in silico prediction for this alteration is inconclusive. Based on the available evidence, the clinical significance of this variant remains unclear.

Color Diagnostics, LLC DBA Color Health
Classification: Uncertain significance for Wilms tumor 1. Last evaluated: 2024-03-06. Review status: criteria provided, single submitter. Criteria: ACMG Guidelines, 2015. Collection method: clinical testing. Allele origin: germline.
Comment: This missense variant replaces glutamine with proline at codon 422 in the WT1 protein. Computational prediction suggests that this variant may not impact protein structure and function. To our knowledge, functional studies have not been reported for this variant. This variant has not been reported in individuals affected with WT1-related disorders in the literature. This variant has not been identified in the general population by the Genome Aggregation Database (gnomAD). The available evidence is insufficient to determine the role of this variant in disease conclusively. Therefore, this variant is classified as a Variant of Uncertain Significance.

Labcorp Genetics (formerly Invitae), Labcorp
Classification: Uncertain significance for Wilms tumor 1; Drash syndrome; 11p partial monosomy syndrome; Frasier syndrome. Last evaluated: 2023-07-10. Review status: criteria provided, single submitter. Criteria: Invitae Variant Classification Sherloc (09022015). Collection method: clinical testing. Allele origin: germline.
Comment: This sequence change replaces glutamine, which is neutral and polar, with proline, which is neutral and non-polar, at codon 422 of the WT1 protein (p.Gln422Pro). This variant is not present in population databases (gnomAD no frequency). This variant has not been reported in the literature in individuals affected with WT1-related conditions. ClinVar contains an entry for this variant (Variation ID: 963434). An algorithm developed to predict the effect of missense changes on protein structure and function (PolyPhen-2) suggests that this variant is likely to be disruptive. In summary, the available evidence is currently insufficient to determine the role of this variant in disease. Therefore, it has been classified as a Variant of Uncertain Significance.

All of Us Research Program, National Institutes of Health
Classification: Uncertain significance for Wilms tumor 1. Last evaluated: 2023-04-03. Review status: criteria provided, single submitter. Criteria: ACMG Guidelines, 2015. Collection method: clinical testing. Allele origin: germline. Inheritance: Autosomal dominant inheritance. Observed: 1 variant allele, 1 heterozygote.
Comment: This missense variant replaces glutamine with proline at codon 422 in the WT1 protein. Computational prediction suggests that this variant may not impact protein structure and function (internally defined REVEL score threshold <= 0.5, PMID: 27666373). To our knowledge, functional studies have not been reported for this variant. This variant has not been reported in individuals affected with WT1-related disorders in the literature. This variant has not been identified in the general population by the Genome Aggregation Database (gnomAD). The available evidence is insufficient to determine the role of this variant in disease conclusively. Therefore, this variant is classified as a Variant of Uncertain Significance.

This study involves interpretation of variants in research participants for the purpose of population health screening. Participant phenotype was not available at the time of variant classification. Additional details can be found in publication PMID: 35346344, PMCID: PMC8962531

NM_024426.6(WT1):c.1280A>C (p.Gln427Pro)

Gene: WT1 (WT1 transcription factor; minus strand). Cytogenetic location: 11p13.
Variant type: single nucleotide variant.
Coding change: c.1280A>C on transcript NM_024426.6 (MANE Select); coding-DNA position 1280, A replaced by C.
Protein change: p.Gln427Pro; replaces glutamine 427 with proline.
Molecular consequence: missense variant. On other transcripts: non-coding transcript variant (1).
Genome position (GRCh38, 1-based): chr11:32,392,740, T>G on the plus strand (A>C on the coding strand, the complement: WT1 is on the minus strand). VCF-style: chr11-32392740-T-G. GRCh37 (hg19) VCF-style: chr11-32414286-T-G.
Other names: c.1229A>C, p.Gln410Pro (NM_000378.6, NM_001407045.1, NM_001407049.1); c.629A>C, p.Gln210Pro (NM_001198551.2); c.578A>C, p.Gln193Pro (NM_001198552.2); c.92A>C, p.Gln31Pro (NM_001367854.1); c.1274A>C, p.Gln425Pro (NM_001407044.1); c.1280A>C, p.Gln427Pro (NM_001407046.1, NM_024424.5); c.1157A>C, p.Gln386Pro (NM_001407047.1); c.1106A>C, p.Gln369Pro (NM_001407050.1); and 2 more; short protein forms Q193P, Q427P, Q210P, Q31P, Q410P, Q425P, Q173P, Q386P.
Identifiers: ClinVar variation 963434 (VCV000963434.12), dbSNP rs1358408901, ClinGen allele CA379959410.